The following is an entry in ClinVar:

NM_000018.4(ACADVL):c.127G>A (p.Gly43Ser)

Genes: ACADVL (acyl-CoA dehydrogenase very long chain; plus strand), LOC130060113 (ATAC-STARR-seq lymphoblastoid silent region 8088; plus strand). Cytogenetic location: 17p13.1.
Variant type: single nucleotide variant.
Coding change: c.127G>A on transcript NM_000018.4 (MANE Select); coding-DNA position 127, G replaced by A.
Protein change: p.Gly43Ser; replaces glycine 43 with serine.
Molecular consequence: missense variant. On other transcripts: 5 prime UTR variant (1).
Genome position (GRCh38, 1-based): chr17:7,220,186, G>A. VCF-style: chr17-7220186-G-A. GRCh37 (hg19) VCF-style: chr17-7123505-G-A.
Other names: c.127G>A, p.Gly43Ser (NM_001033859.3); c.196G>A, p.Gly66Ser (NM_001270447.2); c.-102G>A (NM_001270448.2); short protein forms G43S, G66S.
Identifiers: ClinVar variation 1904339 (VCV001904339.4), dbSNP rs1471931640, ClinGen allele CA397722139.
Genomic context (GRCh38, chr17:7,220,186, plus strand): 5'-CGGCTCACGGCGCTCCTGGGGCAGCCCCGGCCCGGCCCTGCCCGGCGGCCCTATGCCGGG[G>A]GTGCCGCTCAGGTAAGTCACCGCAGCCTTGGCAAGGGGGTGTGGGAGCGGCGGTCCGCTT-3'
Protein context (NP_000009.1, residues 33-53): PGPARRPYAG[Gly43Ser]AAQLALDKSD

ClinVar aggregate classification (germline): Uncertain significance (1 of 4 stars; one submission).

Conditions:
Very long chain acyl-CoA dehydrogenase deficiency (ACADVLD). Also called: Very Long-Chain Acyl-Coenzyme A Dehydrogenase Deficiency; VLCAD Deficiency. Identifiers: Orphanet 26793, MedGen C3887523, MONDO:0008723, OMIM 201475.

Allele frequency attached by ClinVar (database versions not stated): gnomAD exomes below 0.00001; TOPMed below 0.00001.

Submission:

Labcorp Genetics (formerly Invitae), Labcorp
Classification: Uncertain significance for Very long chain acyl-CoA dehydrogenase deficiency. Last evaluated: 2024-03-28. Review status: criteria provided, single submitter. Criteria: Invitae Variant Classification Sherloc (09022015). Collection method: clinical testing. Allele origin: germline.
Comment: This sequence change replaces glycine, which is neutral and non-polar, with serine, which is neutral and polar, at codon 43 of the ACADVL protein (p.Gly43Ser). This variant is not present in population databases (gnomAD no frequency). This variant has not been reported in the literature in individuals affected with ACADVL-related conditions. ClinVar contains an entry for this variant (Variation ID: 1904339). Advanced modeling of protein sequence and biophysical properties (such as structural, functional, and spatial information, amino acid conservation, physicochemical variation, residue mobility, and thermodynamic stability) has been performed at Invitae for this missense variant, however the output from this modeling did not meet the statistical confidence thresholds required to predict the impact of this variant on ACADVL protein function. In summary, the available evidence is currently insufficient to determine the role of this variant in disease. Therefore, it has been classified as a Variant of Uncertain Significance.